The following is an entry in ClinVar:

ClinVar aggregate classification (germline): Likely pathogenic (1 of 4 stars; one submission).

Submission:

Labcorp Genetics (formerly Invitae), Labcorp
Classification: Likely pathogenic. Last evaluated: 2023-12-19. Review status: criteria provided, single submitter. Criteria: Invitae Variant Classification Sherloc (09022015). Collection method: clinical testing. Allele origin: germline.
Comment: This sequence change creates a premature translational stop signal (p.Ser659*) in the COL10A1 gene. While this is not anticipated to result in nonsense mediated decay, it is expected to disrupt the last 22 amino acid(s) of the COL10A1 protein. This variant is not present in population databases (gnomAD no frequency). This premature translational stop signal has been observed in individual(s) with clinical features of autosomal dominant metaphyseal chondrodysplasia, Schmid type (Invitae). ClinVar contains an entry for this variant (Variation ID: 1021623). This variant is located in a region of the COL10A1 protein where a significant number of COL10A1 nonsense and frameshift mutations have been reported in association with autosomal dominant metaphyseal chondrodysplasia (PMID: 21447328, 33764685, 36400164). In summary, the currently available evidence indicates that the variant is pathogenic, but additional data are needed to prove that conclusively. Therefore, this variant has been classified as Likely Pathogenic.

Literature cited by the submitters: PubMed 21447328; PubMed 33764685; PubMed 36400164.

NM_000493.4(COL10A1):c.1976C>G (p.Ser659Ter)

Genes: COL10A1 (collagen type X alpha 1 chain; minus strand), NT5DC1 (5'-nucleotidase domain containing 1; plus strand). Cytogenetic location: 6q22.1.
Variant type: single nucleotide variant.
Coding change: c.1976C>G on transcript NM_000493.4 (MANE Select); coding-DNA position 1976, C replaced by G.
Protein change: p.Ser659Ter; replaces serine 659 with a stop codon.
Molecular consequence: nonsense. On other transcripts: intron variant (1).
Genome position (GRCh38, 1-based): chr6:116,120,140, G>C on the plus strand (C>G on the coding strand, the complement: COL10A1 is on the minus strand). VCF-style: chr6-116120140-G-C. GRCh37 (hg19) VCF-style: chr6-116441303-G-C.
Other names: c.1976C>G, p.Ser659Ter (NM_001424106.1, NM_001424107.1); c.529+2195G>C (NM_152729.3); short protein forms S659*.
Identifiers: ClinVar variation 1021623 (VCV001021623.9), dbSNP rs1340952961, ClinGen allele CA365386278.